The following is an entry in ClinVar:

NM_030805.4(LMAN2L):c.740G>A (p.Arg247His)

Gene: LMAN2L (lectin, mannose binding 2 like; minus strand). Cytogenetic location: 2q11.2.
Variant type: single nucleotide variant.
Coding change: c.740G>A on transcript NM_030805.4 (MANE Select); coding-DNA position 740, G replaced by A.
Protein change: p.Arg247His; replaces arginine 247 with histidine.
Molecular consequence: missense variant.
Genome position (GRCh38, 1-based): chr2:96,711,700, C>T on the plus strand (G>A on the coding strand, the complement: LMAN2L is on the minus strand). VCF-style: chr2-96711700-C-T. GRCh37 (hg19) VCF-style: chr2-97377437-C-T.
Other names: p.Arg258His; c.773G>A, p.Arg258His (NM_001142292.2); c.338G>A, p.Arg113His (NM_001322346.2, NM_001322354.2); c.359G>A, p.Arg120His (NM_001322347.2, NM_001322352.2); c.326G>A, p.Arg109His (NM_001322350.2); c.305G>A, p.Arg102His (NM_001322351.2, NM_001322355.2, NM_001322356.2); short protein forms R102H, R109H, R113H, R120H, R247H, R258H.
Identifiers: ClinVar variation 1710494 (VCV001710494.3), dbSNP rs773649192, ClinGen allele CA1782889.

ClinVar aggregate classification (germline): Likely pathogenic (1 of 4 stars; one submission).

Conditions:
Intellectual developmental disorder, autosomal recessive 52. Also called: Intellectual disability, autosomal recessive 52. Identifiers: Orphanet 88616, MedGen C4225168, MONDO:0014815, OMIM 616887.

Allele frequency attached by ClinVar (database versions not stated): gnomAD 0.00001; TOPMed 0.00001; gnomAD exomes 0.00003; ExAC 0.00002.
gnomAD v4.1: 49 of 1,613,944 alleles (0.003%); highest among the groups gnomAD compares: South Asian, 0.0055%; no homozygotes.

Submission:

Foundation for Research in Genetics and Endocrinology, FRIGE's Institute of Human Genetics
Classification: Likely pathogenic for Intellectual developmental disorder, autosomal recessive 52. Last evaluated: 2021-09-01. Review status: criteria provided, single submitter. Criteria: ACMG Guidelines, 2015. Collection method: research. Allele origin: de novo. Inheritance: Autosomal recessive inheritance. Affected: yes. Observed: 1 homozygote.
Comment: A homozygous missense variation in exon 7 of the LMAN2L gene that results in the amino acid substitution of Histidine for Arginine at codon 258 was detected. The observed variant c.773G>A (p.Arg258His) has not been reported in the 1000 genomes and has a MAF of 0.002% in the gnomAD databases. The in silico prediction of the variant are probably damaging by PolyPhen-2 (HumDiv) and damaging by SIFT, LRT and MutationTaster2. The reference codon is conserved across species. Segregation analysis shows biallelic inheritance of the variant. In summary, the variant meets our criteria to be classified as likely pathogenic.